The following is an entry in ClinVar:

NC_000001.10:g.(?_1167659)_(1168648_?)dup

Gene: B3GALT6 (beta-1,3-galactosyltransferase 6; plus strand). Cytogenetic location: 1p36.33.
Variant type: Duplication.
Identifiers: ClinVar variation 2427182 (VCV002427182.5).

ClinVar aggregate classification (germline): Uncertain significance (1 of 4 stars; one submission).

Conditions:
Ehlers-Danlos syndrome, spondylodysplastic type, 2 (EDSSPD2). Also called: Ehlers-Danlos syndrome, progeroid type, 2. Identifiers: Orphanet 536467, Orphanet 75496, MedGen C3809210, MONDO:0014139, OMIM 615349.
Spondyloepimetaphyseal dysplasia with joint laxity (SEMDJL). Identifiers: MedGen C0432243, MONDO:0019675.

Submission:

Labcorp Genetics (formerly Invitae), Labcorp
Classification: Uncertain significance for Ehlers-Danlos syndrome, spondylodysplastic type, 2; Spondyloepimetaphyseal dysplasia with joint laxity. Last evaluated: 2022-06-13. Review status: criteria provided, single submitter. Criteria: Invitae Variant Classification Sherloc (09022015). Collection method: clinical testing. Allele origin: germline.
Comment: A copy number gain of the genomic region encompassing the full coding sequence of the B3GALT6 gene has been identified. The boundaries of this event are unknown as they extend beyond the assayed region for this gene and therefore may encompass additional genes. As the precise location of this event is unknown, it may be in tandem or it may be located elsewhere in the genome. This variant has not been reported in the literature in individuals affected with B3GALT6-related conditions. In summary, the available evidence is currently insufficient to determine the role of this variant in disease. Therefore, it has been classified as a Variant of Uncertain Significance.